The following is an entry in ClinVar:

ClinVar aggregate classification (germline): Pathogenic (1 of 4 stars; one submission).

Conditions:
Hereditary cancer-predisposing syndrome. Also called: Tumor predisposition; Hereditary neoplastic syndrome; Hereditary Cancer Syndrome; Neoplastic Syndromes, Hereditary. Identifiers: Orphanet 140162, MedGen C0027672, MeSH D009386, MONDO:0015356.

Submission:

Ambry Genetics
Classification: Pathogenic for Hereditary cancer-predisposing syndrome. Last evaluated: 2025-05-20. Review status: criteria provided, single submitter. Criteria: Ambry Variant Classification Scheme 2023. Collection method: clinical testing. Allele origin: germline.
Comment: The c.574dupA pathogenic mutation, located in coding exon 4 of the STK11 gene, results from a duplication of A at nucleotide position 574, causing a translational frameshift with a predicted alternate stop codon (p.I192Nfs*74). This variant, also described as 574-575 insA was reported in individual(s) with features consistent with Peutz-Jeghers syndrome (Mehenni H et al. Am J Hum Genet. 1998 Dec;63:1641-50; Ambry internal data). This variant is considered to be rare based on population cohorts in the Genome Aggregation Database (gnomAD). This alteration is expected to result in loss of function by premature protein truncation or nonsense-mediated mRNA decay. As such, this alteration is interpreted as a disease-causing mutation.

Literature cited by the submitters: PubMed 9837816.

NM_000455.5(STK11):c.574dup (p.Ile192fs)

Gene: STK11 (serine/threonine kinase 11; plus strand). Cytogenetic location: 19p13.3.
Variant type: Duplication.
Coding change: c.574dup on transcript NM_000455.5 (MANE Select); coding-DNA position 574, one base duplicated (A; older notation c.574dupA).
Protein change: p.Ile192fs; shifts the reading frame from isoleucine 192.
Molecular consequence: frameshift variant. On other transcripts: non-coding transcript variant (1).
Genome position (GRCh38, 1-based): chr19:1,220,482, A duplicated; the last of 4 consecutive A bases (chr19:1,220,479-1,220,482); duplicating any one gives the same sequence. VCF-style (leftmost placement, unchanged base first): chr19-1220478-C-CA. GRCh37 (hg19) VCF-style: chr19-1220477-C-CA.
Other names: c.574dupA (NM_000455.4); c.574dup, p.Ile192fs (NM_001407255.1); short protein forms I192fs.
Identifiers: ClinVar variation 3963267 (VCV003963267.1).